The following is an entry in ClinVar:

ClinVar aggregate classification (germline): Pathogenic/Likely pathogenic. Review status: criteria provided, multiple submitters, no conflicts (2 of 4 stars). 4 submissions from 4 submitters: Pathogenic (1); Likely pathogenic (2). 1 of the submissions does not count toward it. Last evaluated 2025-01-25.

Conditions:
Mucopolysaccharidosis type 1. Also called: IDUA deficiency; MPS I; Mucopolysaccharidosis Type I. Identifiers: Orphanet 579, MedGen C0023786, MONDO:0001586.
Hurler syndrome. Also called: Gargoylism, Hurler Syndrome; MUCOPOLYSACCHARIDOSIS TYPE IH; Severe MPS I (Hurler Syndrome). Identifiers: Orphanet 93473, MedGen C0086795, MONDO:0011758, OMIM 607014.

Submissions (4):

Natera, Inc.
Classification: Likely pathogenic for Mucopolysaccharidosis type I. Last evaluated: 2025-01-25. Review status: criteria provided, single submitter. Criteria: Natera Variant Classification Schema (03/2026). Collection method: clinical testing. Allele origin: germline.
Comment: The c.60_61delGCinsA variant in IDUA is a frameshift variant predicted to shift the reading frame beginning at codon 22 and leads to a stop codon 86 codons downstream. This variant is expected to result in nonsense mediated decay, truncation, or a dysfunctional protein product. This variant is rare in the general population with a frequency below the threshold expected for the associated phenotype(s). Given the available evidence, this variant is classified as Likely Pathogenic.

Labcorp Genetics (formerly Invitae), Labcorp
Classification: Pathogenic for Mucopolysaccharidosis type 1. Last evaluated: 2024-09-29. Review status: criteria provided, single submitter. Criteria: Invitae Variant Classification Sherloc (09022015). Collection method: clinical testing. Allele origin: germline.
Comment: This sequence change creates a premature translational stop signal (p.Pro22Argfs*86) in the IDUA gene. It is expected to result in an absent or disrupted protein product. Loss-of-function variants in IDUA are known to be pathogenic (PMID: 11735025, 21480867). Information on the frequency of this variant in the gnomAD database is not available, as this variant may be reported differently in the database. This variant has not been reported in the literature in individuals affected with IDUA-related conditions. For these reasons, this variant has been classified as Pathogenic.

Women's Health and Genetics/Laboratory Corporation of America, LabCorp
Classification: Likely pathogenic for Mucopolysaccharidosis type 1. Last evaluated: 2019-12-17. Review status: criteria provided, single submitter. Criteria: LabCorp Variant Classification Summary - May 2015. Collection method: clinical testing. Allele origin: germline.
Comment: Variant summary: IDUA c.60_61delinsA (p.Pro22ArgfsX86) results in a premature termination codon, predicted to cause a truncation of the encoded protein or absence of the protein due to nonsense mediated decay, which are commonly known mechanisms for disease. Truncations downstream of this position have been classified as pathogenic by our laboratory. The variant was absent in 47278 control chromosomes. To our knowledge, no occurrence of c.60_61delinsA in individuals affected with Mucopolysaccharidosis Type 1 and no experimental evidence demonstrating its impact on protein function have been reported. No clinical diagnostic laboratories have submitted clinical-significance assessments for this variant to ClinVar after 2014. However, another variant (c.65delC), causing same frameshift (p.Pro22ArgfsX86), has been reported to associate with Mucopolysaccharidosis Type 1. Based on the evidence outlined above, the variant was classified as likely pathogenic.

Counsyl
Classification: Likely pathogenic for Hurler syndrome. Last evaluated: 2017-09-20. Review status: no assertion criteria provided. Collection method: clinical testing. Allele origin: unknown. Not counted in ClinVar's aggregate classification.

Literature cited by the submitters: PubMed 11735025 (cited by Labcorp Genetics (formerly Invitae), Labcorp); PubMed 21480867 (cited by Labcorp Genetics (formerly Invitae), Labcorp).

NM_000203.5(IDUA):c.60_61delinsA (p.Pro22fs)

Genes: IDUA (alpha-L-iduronidase; plus strand), SLC26A1 (solute carrier family 26 member 1; minus strand). Cytogenetic location: 4p16.3.
Variant type: Indel.
Coding change: c.60_61delinsA on transcript NM_000203.5 (MANE Select); coding-DNA positions 60 to 61, GC replaced by A.
Protein change: p.Pro22fs; shifts the reading frame from proline 22.
Molecular consequence: frameshift variant. On other transcripts: non-coding transcript variant (1), intron variant (1).
Genome position (GRCh38, 1-based): chr4:987,144-987,145, GC replaced by A. VCF-style: chr4-987144-GC-A. GRCh37 (hg19) VCF-style: chr4-980932-GC-A.
Other names: c.576+3983_576+3984delinsT (NM_134425.4); c.60_61delinsA (NM_000203.3); short protein forms P22fs.
Identifiers: ClinVar variation 553915 (VCV000553915.8), dbSNP rs1553914762, ClinGen allele CA658821662.